The following is an entry in ClinVar:

NM_001384474.1(LOXHD1):c.2938G>T (p.Gly980Trp)

Gene: LOXHD1 (lipoxygenase homology PLAT domains 1; minus strand). Cytogenetic location: 18q21.1.
Variant type: single nucleotide variant.
Coding change: c.2938G>T on transcript NM_001384474.1 (MANE Select); coding-DNA position 2938, G replaced by T.
Protein change: p.Gly980Trp; replaces glycine 980 with tryptophan.
Molecular consequence: missense variant.
Genome position (GRCh38, 1-based): chr18:46,560,206, C>A on the plus strand (G>T on the coding strand, the complement: LOXHD1 is on the minus strand). VCF-style: chr18-46560206-C-A. GRCh37 (hg19) VCF-style: chr18-44140169-C-A.
Other names: c.2938G>T, p.Gly980Trp (NM_144612.7); short protein forms G980W.
Identifiers: ClinVar variation 2505748 (VCV002505748.1), dbSNP rs1416280242, ClinGen allele CA402370516.

ClinVar aggregate classification (germline): Uncertain significance (1 of 4 stars; one submission).

gnomAD v4.1: 1 of 1,551,906 alleles (0.000064%); highest among the groups gnomAD compares: Non-Finnish European, 0.000087%; no homozygotes.

Submission:

GeneDx
Classification: Uncertain significance. Last evaluated: 2022-12-15. Review status: criteria provided, single submitter. Criteria: GeneDx Variant Classification Process June 2021. Collection method: clinical testing. Allele origin: germline. Affected: yes.
Comment: Not observed at significant frequency in large population cohorts (gnomAD); In silico analysis supports that this missense variant does not alter protein structure/function; Has not been previously published as pathogenic or benign to our knowledge